The following is an entry in ClinVar:

NM_014915.3(ANKRD26):c.196C>G (p.Leu66Val)

Gene: ANKRD26 (ankyrin repeat domain 26; minus strand). Cytogenetic location: 10p12.1.
Variant type: single nucleotide variant.
Coding change: c.196C>G on transcript NM_014915.3 (MANE Select); coding-DNA position 196, C replaced by G.
Protein change: p.Leu66Val; replaces leucine 66 with valine.
Molecular consequence: missense variant.
Genome position (GRCh38, 1-based): chr10:27,100,131, G>C on the plus strand (C>G on the coding strand, the complement: ANKRD26 is on the minus strand). VCF-style: chr10-27100131-G-C. GRCh37 (hg19) VCF-style: chr10-27389060-G-C.
Other names: c.196C>G, p.Leu66Val (NM_001256053.2); short protein forms L66V.
Identifiers: ClinVar variation 2640375 (VCV002640375.25), dbSNP rs369550818, ClinGen allele CA5449032.

ClinVar aggregate classification (germline): Uncertain significance. Review status: criteria provided, multiple submitters, no conflicts (2 of 4 stars). 2 submissions from 2 submitters: Uncertain significance (2). Last evaluated 2024-11-22.

Allele frequency attached by ClinVar (database versions not stated): gnomAD exomes below 0.00001; ExAC 0.00002; ESP Exome Variant Server 0.00008.

Submissions (2):

GeneDx
Classification: Uncertain significance. Last evaluated: 2024-11-22. Review status: criteria provided, single submitter. Criteria: GeneDx Variant Classification Process June 2021. Collection method: clinical testing. Allele origin: germline. Affected: yes.
Comment: Not observed at significant frequency in large population cohorts (gnomAD); In silico analysis indicates that this missense variant does not alter protein structure/function; Has not been previously published as pathogenic or benign to our knowledge

CeGaT Center for Human Genetics Tuebingen
Classification: Uncertain significance. Last evaluated: 2022-11-01. Review status: criteria provided, single submitter. Criteria: CeGaT Center For Human Genetics Tuebingen Variant Classification Criteria Version 2. Collection method: clinical testing. Allele origin: germline. Affected: yes. Observed: 1 variant allele.
Comment: ANKRD26: PM2, BP4